The following is an entry in ClinVar:

ClinVar aggregate classification (germline): Uncertain significance (1 of 4 stars; one submission).

Conditions:
Fanconi anemia (FA). Also called: Fanconi's anemia. Identifiers: Orphanet 84, MedGen C0015625, MeSH D005199, MONDO:0019391.

gnomAD v4.1: 4 of 1,614,006 alleles (0.00025%); highest among the groups gnomAD compares: South Asian, 0.0022%; no homozygotes.

Submission:

Labcorp Genetics (formerly Invitae), Labcorp
Classification: Uncertain significance for Fanconi anemia. Last evaluated: 2024-06-13. Review status: criteria provided, single submitter. Criteria: Invitae Variant Classification Sherloc (09022015). Collection method: clinical testing. Allele origin: germline.
Comment: This sequence change affects codon 90 of the FANCF mRNA. It is a 'silent' change, meaning that it does not change the encoded amino acid sequence of the FANCF protein. This variant is not present in population databases (gnomAD no frequency). This variant has not been reported in the literature in individuals affected with FANCF-related conditions. In summary, the available evidence is currently insufficient to determine the role of this variant in disease. Therefore, it has been classified as a Variant of Uncertain Significance.

NM_022725.4(FANCF):c.270C>T (p.Asp90=)

Gene: FANCF (FA complementation group F; minus strand). Cytogenetic location: 11p14.3.
Variant type: single nucleotide variant.
Coding change: c.270C>T on transcript NM_022725.4 (MANE Select); coding-DNA position 270, C replaced by T.
Protein change: p.Asp90=; no amino-acid change (aspartic acid 90 retained).
Molecular consequence: synonymous variant.
Genome position (GRCh38, 1-based): chr11:22,625,541, G>A on the plus strand (C>T on the coding strand, the complement: FANCF is on the minus strand). VCF-style: chr11-22625541-G-A. GRCh37 (hg19) VCF-style: chr11-22647087-G-A.
Identifiers: ClinVar variation 3708351 (VCV003708351.2).